The following is an entry in ClinVar:

ClinVar aggregate classification (germline): Benign/Likely benign. Review status: criteria provided, multiple submitters, no conflicts (2 of 4 stars). 4 submissions from 4 submitters: Benign (1); Likely benign (2). 1 of the submissions does not count toward it. Last evaluated 2025-08-10.

Conditions:
Inborn genetic diseases. Identifiers: MedGen C0950123, MeSH D030342.
CUX2-related disorder. Also called: CUX2-related condition.

Allele frequency attached by ClinVar (database versions not stated): TOPMed 0.00067; gnomAD 0.00091; ExAC 0.00110; gnomAD exomes 0.00132.
gnomAD v4.1: 2,026 of 1,578,528 alleles (0.13%); highest among the groups gnomAD compares: Non-Finnish European, 0.15%; 7 homozygotes.

Submissions (4):

Ambry Genetics
Classification: Likely benign for Inborn genetic diseases. Last evaluated: 2025-08-10. Review status: criteria provided, single submitter. Criteria: Ambry Variant Classification Scheme 2023. Collection method: clinical testing. Allele origin: germline.

Blueprint Genetics
Classification: Likely benign. Last evaluated: 2024-11-11. Review status: criteria provided, single submitter. Criteria: ACMG Guidelines, 2015. Collection method: clinical testing. Allele origin: germline.

CeGaT Center for Human Genetics Tuebingen
Classification: Benign. Last evaluated: 2024-07-01. Review status: criteria provided, single submitter. Criteria: CeGaT Center For Human Genetics Tuebingen Variant Classification Criteria Version 2. Collection method: clinical testing. Allele origin: germline. Affected: yes. Observed: 12 variant alleles.
Comment: CUX2: BS1, BS2

PreventionGenetics, part of Exact Sciences
Classification: Likely benign for CUX2-related condition. Last evaluated: 2019-08-26. Review status: no assertion criteria provided. Collection method: clinical testing. Allele origin: germline. Not counted in ClinVar's aggregate classification.
Comment: This variant is classified as likely benign based on ACMG/AMP sequence variant interpretation guidelines (Richards et al. 2015 PMID: 25741868, with internal and published modifications).

NM_015267.4(CUX2):c.2500C>G (p.Pro834Ala)

Gene: CUX2 (cut like homeobox 2; plus strand). Cytogenetic location: 12q24.12.
Variant type: single nucleotide variant.
Coding change: c.2500C>G on transcript NM_015267.4 (MANE Select); coding-DNA position 2500, C replaced by G.
Protein change: p.Pro834Ala; replaces proline 834 with alanine.
Molecular consequence: missense variant.
Genome position (GRCh38, 1-based): chr12:111,320,509, C>G. VCF-style: chr12-111320509-C-G. GRCh37 (hg19) VCF-style: chr12-111758313-C-G.
Other names: c.2314C>G, p.Pro772Ala (NM_001370598.1); c.2500C>G (NM_015267.3); short protein forms P772A, P834A.
Identifiers: ClinVar variation 2570847 (VCV002570847.30), dbSNP rs750555630, ClinGen allele CA6788888.
Genomic context (GRCh38, chr12:111,320,509, plus strand): 5'-GGCTACTCTGGCCAGCCCAACGGCCGCGCCTGGCCCCGCGGGGACGAGGCCCCTGTGCCC[C>G]CCGAGGACGAGGCGGCGGCAGGGGCGGAGGACGAACCCCCCAGGACGGGCGAGCTCAAGG-3'
Protein context (NP_056082.2, residues 824-844): WPRGDEAPVP[Pro834Ala]EDEAAAGAED